The following is an entry in ClinVar:

ClinVar aggregate classification (germline): Likely benign (0 of 4 stars; one submission).

Conditions:
UNC13A-related disorder. Also called: UNC13A-related condition.

gnomAD v4.1: 258 of 1,613,898 alleles (0.016%); highest among the groups gnomAD compares: South Asian, 0.26%; 2 homozygotes.

Submission:

PreventionGenetics, part of Exact Sciences
Classification: Likely benign for UNC13A-related condition. Last evaluated: 2024-06-03. Review status: no assertion criteria provided. Collection method: clinical testing. Allele origin: germline.
Comment: This variant is classified as likely benign based on ACMG/AMP sequence variant interpretation guidelines (Richards et al. 2015 PMID: 25741868, with internal and published modifications).

NM_001080421.3(UNC13A):c.4506G>A (p.Thr1502=)

Gene: UNC13A (unc-13 homolog A; minus strand). Cytogenetic location: 19p13.11.
Variant type: single nucleotide variant.
Coding change: c.4506G>A on transcript NM_001080421.3 (MANE Select); coding-DNA position 4506, G replaced by A.
Protein change: p.Thr1502=; no amino-acid change (threonine 1502 retained).
Molecular consequence: synonymous variant.
Genome position (GRCh38, 1-based): chr19:17,617,754, C>T on the plus strand (G>A on the coding strand, the complement: UNC13A is on the minus strand). VCF-style: chr19-17617754-C-T. GRCh37 (hg19) VCF-style: chr19-17728563-C-T.
Other names: c.4494G>A, p.Thr1498= (NM_001387021.1); c.4491G>A, p.Thr1497= (NM_001387022.1); c.4425G>A, p.Thr1475= (NM_001387023.1).
Identifiers: ClinVar variation 3351816 (VCV003351816.1).